The following is an entry in ClinVar:

ClinVar aggregate classification (germline): Uncertain significance. Review status: criteria provided, multiple submitters, no conflicts (2 of 4 stars). 3 submissions from 3 submitters: Uncertain significance (3). Last evaluated 2025-08-29.

Conditions:
Hypophosphatasia. Also called: Phosphoethanol-aminuria. Identifiers: Orphanet 436, MedGen C0020630, MeSH D007014, MONDO:0018570.

Allele frequency attached by ClinVar (database versions not stated): TOPMed below 0.00001; gnomAD 0.00001.
gnomAD v4.1: 2 of 1,613,848 alleles (0.00012%); highest among the groups gnomAD compares: Non-Finnish European, 0.00017%; no homozygotes.

Submissions (3):

Genomenon, Inc
Classification: Uncertain significance for Hypophosphatasia. Last evaluated: 2025-08-29. Review status: criteria provided, single submitter. Criteria: Genomenon Sequence Variant Interpretation Standards. Collection method: curation. Allele origin: germline. Affected: yes.
Comment: ALPL c.1208G>A is a missense variant that changes the amino acid at residue 403 from Serine to Asparagine. This variant has been observed in at least one proband affected with hypophosphatasia (PMID:37107680). It is absent or not present at a significant frequency in gnomAD. In conclusion, we classify ALPL p.Ser403Asn (c.1208G>A) as a variant of unknown significance.

Labcorp Genetics (formerly Invitae), Labcorp
Classification: Uncertain significance. Last evaluated: 2024-09-29. Review status: criteria provided, single submitter. Criteria: Invitae Variant Classification Sherloc (09022015). Collection method: clinical testing. Allele origin: germline.
Comment: This sequence change replaces serine, which is neutral and polar, with asparagine, which is neutral and polar, at codon 403 of the ALPL protein (p.Ser403Asn). This variant is present in population databases (rs757564264, gnomAD 0.0009%). This variant has not been reported in the literature in individuals affected with ALPL-related conditions. ClinVar contains an entry for this variant (Variation ID: 1496594). Invitae Evidence Modeling of protein sequence and biophysical properties (such as structural, functional, and spatial information, amino acid conservation, physicochemical variation, residue mobility, and thermodynamic stability) indicates that this missense variant is expected to disrupt ALPL protein function with a positive predictive value of 95%. In summary, the available evidence is currently insufficient to determine the role of this variant in disease. Therefore, it has been classified as a Variant of Uncertain Significance.

Victorian Clinical Genetics Services, Murdoch Childrens Research Institute
Classification: Uncertain significance for Hypophosphatasia. Last evaluated: 2021-05-06. Review status: criteria provided, single submitter. Criteria: ACMG Guidelines, 2015. Collection method: clinical testing. Allele origin: germline.
Comment: Based on the classification scheme VCGS_Germline_v1.3.4, this variant is classified as VUS-3B. Following criteria are met: 0103 - Dominant negative and loss of function are known mechanisms of disease in this gene. Later-onset/mild disease is associated with dominant negative variants or loss of function variants that retain residual enzyme activity, while early-onset/severe disease is caused by more complete loss of function variants (PMID: 19500388, 20301329). (I) 0108 - This gene is associated with both recessive and dominant disease. Severe forms of hypophosphatasia (perinatal and infantile) are generally associated with autosomal recessive disease, while the milder forms of hypophosphatasia (childhood, adult and odonto) have been associated with both autosomal dominant and recessive disease (PMID: 19500388, 23688511). (I) 0112 - The condition associated with this gene has incomplete penetrance (PMID: 20301329). (I) 0115 - Variants in this gene are known to have variable expressivity (PMID: 20301329). (I) 0200 - Variant is predicted to result in a missense amino acid change from serine to asparagine. (I) 0251 - This variant is heterozygous. (I) 0304 - Variant is present in gnomAD <0.01 for a recessive condition (v2) (1 heterozygote, 0 homozygotes). (SP) 0309 - An alternative amino acid change at the same position has been observed in gnomAD (v2) (p.S403T: 1 heterozygote, 0 homozygotes). (I) 0502 - Missense variant with conflicting in silico predictions and uninformative conservation. (I) 0600 - Variant is located in the annotated alkaline phosphatase domain (NCBI conserved domain). (I) 0705 - No comparable missense variants have previous evidence for pathogenicity. (I) 0807 - This variant has no previous evidence of pathogenicity. (I) 0905 - No published segregation evidence has been identified for this variant. (I) 1007 - No published functional evidence has been identified for this variant. (I) 1208 - Inheritance information for this variant is not currently available in this individual. (I) Legend: (SP) - Supporting pathogenic, (I) - Information, (SB) - Supporting benign

Literature cited by the submitters: PubMed 37107680 (cited by Genomenon, Inc); PubMed 19500388 (cited by Victorian Clinical Genetics Services, Murdoch Childrens Research Institute); PubMed 20301329 (cited by Victorian Clinical Genetics Services, Murdoch Childrens Research Institute); PubMed 23688511 (cited by Victorian Clinical Genetics Services, Murdoch Childrens Research Institute).

NM_000478.6(ALPL):c.1208G>A (p.Ser403Asn)

Gene: ALPL (alkaline phosphatase, biomineralization associated; plus strand). Cytogenetic location: 1p36.12.
Variant type: single nucleotide variant.
Coding change: c.1208G>A on transcript NM_000478.6 (MANE Select); coding-DNA position 1208, G replaced by A.
Protein change: p.Ser403Asn; replaces serine 403 with asparagine.
Molecular consequence: missense variant.
Genome position (GRCh38, 1-based): chr1:21,576,540, G>A. VCF-style: chr1-21576540-G-A. GRCh37 (hg19) VCF-style: chr1-21903033-G-A.
Other names: c.1208G>A (NM_000478.5); c.1043G>A, p.Ser348Asn (NM_001127501.4); c.977G>A, p.Ser326Asn (NM_001177520.3); c.1208G>A, p.Ser403Asn (NM_001369803.2, NM_001369804.2, NM_001369805.2); short protein forms S348N, S326N, S403N.
Identifiers: ClinVar variation 1496594 (VCV001496594.8), dbSNP rs757564264, ClinGen allele CA666784.